The following is an entry in ClinVar:

ClinVar aggregate classification (germline): Likely pathogenic (1 of 4 stars; one submission).

Submission:

Mayo Clinic Laboratories, Mayo Clinic
Classification: Likely pathogenic. Last evaluated: 2024-04-05. Review status: criteria provided, single submitter. Criteria: ACMG Guidelines, 2015. Collection method: clinical testing. Allele origin: germline. Observed: 1 variant allele.
Comment: PM2, PVS1_strong

NM_006000.3(TUBA4A):c.995_997delinsA (p.Ile332fs)

Gene: TUBA4A (tubulin alpha 4a; minus strand). Cytogenetic location: 2q35.
Variant type: Indel.
Coding change: c.995_997delinsA on transcript NM_006000.3 (MANE Select); coding-DNA positions 995 to 997, TTG replaced by A.
Protein change: p.Ile332fs; shifts the reading frame from isoleucine 332.
Molecular consequence: frameshift variant.
Genome position (GRCh38, 1-based): chr2:219,250,702-219,250,704, CAA replaced by T on the plus strand (TTG replaced by A on the coding strand, the reverse complement: TUBA4A is on the minus strand). VCF-style: chr2-219250702-CAA-T. GRCh37 (hg19) VCF-style: chr2-220115424-CAA-T.
Other names: p.Ile332Asnfs*35; c.950_952delinsA, p.Ile317fs (NM_001278552.2); short protein forms I317fs, I332fs.
Identifiers: ClinVar variation 3380962 (VCV003380962.1).
Genomic context (GRCh38, chr2:219,250,702, plus strand): 5'-CCTTGAAGCCTGTGGGGCACCAGTCCACAAACTGAATGCTGCGCTTGGTCTTGATGGCGG[CAA>T]TGGCAGCGTTGACATCCTTGGGCACCACATCTCCACGGTACAGCAGGCAGCAGGCCATGT-3'